The following is an entry in ClinVar:

NM_012330.4(KAT6B):c.3355G>C (p.Val1119Leu)

Gene: KAT6B (lysine acetyltransferase 6B; plus strand). Cytogenetic location: 10q22.2.
Variant type: single nucleotide variant.
Coding change: c.3355G>C on transcript NM_012330.4 (MANE Select); coding-DNA position 3355, G replaced by C.
Protein change: p.Val1119Leu; replaces valine 1119 with leucine.
Molecular consequence: missense variant.
Genome position (GRCh38, 1-based): chr10:75,022,214, G>C. VCF-style: chr10-75022214-G-C. GRCh37 (hg19) VCF-style: chr10-76781972-G-C.
Other names: c.2806G>C, p.Val936Leu (NM_001256468.2, NM_001370138.1); c.2479G>C, p.Val827Leu (NM_001256469.2, NM_001370139.1, NM_001370140.1 and 2 more transcripts); c.2317G>C, p.Val773Leu (NM_001370132.1); c.1666G>C, p.Val556Leu (NM_001370133.1); c.1270G>C, p.Val424Leu (NM_001370134.1); c.1012G>C, p.Val338Leu (NM_001370135.1); c.3355G>C, p.Val1119Leu (NM_001370136.1, NM_001370137.1); c.2290G>C, p.Val764Leu (NM_001370143.1, NM_001370144.1); short protein forms V1119L, V338L, V424L, V556L, V936L, V764L, V827L, V773L.
Identifiers: ClinVar variation 2819129 (VCV002819129.3), dbSNP rs1440381536, ClinGen allele CA377285039.

ClinVar aggregate classification (germline): Uncertain significance (1 of 4 stars; one submission).

Conditions:
Genitopatellar syndrome (GTPTS). Also called: Genitopatellar syndrome (GPS); ABSENT PATELLAE, SCROTAL HYPOPLASIA, RENAL ANOMALIES, FACIAL DYSMORPHISM, AND MENTAL RETARDATION. Identifiers: Orphanet 85201, MedGen C1853566, MONDO:0011640, OMIM 606170.

Submission:

Labcorp Genetics (formerly Invitae), Labcorp
Classification: Uncertain significance for Genitopatellar syndrome. Last evaluated: 2022-12-07. Review status: criteria provided, single submitter. Criteria: Invitae Variant Classification Sherloc (09022015). Collection method: clinical testing. Allele origin: germline.
Comment: Advanced modeling of protein sequence and biophysical properties (such as structural, functional, and spatial information, amino acid conservation, physicochemical variation, residue mobility, and thermodynamic stability) performed at Invitae indicates that this missense variant is not expected to disrupt KAT6B protein function. This variant has not been reported in the literature in individuals affected with KAT6B-related conditions. This variant is not present in population databases (gnomAD no frequency). This sequence change replaces valine, which is neutral and non-polar, with leucine, which is neutral and non-polar, at codon 1119 of the KAT6B protein (p.Val1119Leu). In summary, the available evidence is currently insufficient to determine the role of this variant in disease. Therefore, it has been classified as a Variant of Uncertain Significance.